The following is an entry in ClinVar:

NM_001357.5(DHX9):c.422G>A (p.Arg141Gln)

Gene: DHX9 (DExH-box helicase 9; plus strand). Cytogenetic location: 1q25.3.
Variant type: single nucleotide variant.
Coding change: c.422G>A on transcript NM_001357.5 (MANE Select); coding-DNA position 422, G replaced by A.
Protein change: p.Arg141Gln; replaces arginine 141 with glutamine.
Molecular consequence: missense variant. On other transcripts: non-coding transcript variant (1).
Genome position (GRCh38, 1-based): chr1:182,853,363, G>A. VCF-style: chr1-182853363-G-A. GRCh37 (hg19) VCF-style: chr1-182822498-G-A.
Other names: c.422G>A (NM_001357.4); short protein forms R141Q.
Identifiers: ClinVar variation 3367217 (VCV003367217.3).
Genomic context (GRCh38, chr1:182,853,363, plus strand): 5'-CAGAAAATAATTCTGAGGTAGGGGCCTCTGGCTATGGTGTTCCTGGGCCCACCTGGGACC[G>A]AGGAGCCAACTTGAAGGATTACTACTCAAGAAAGGAAGAACAAGAAGTGCAAGCGGTAAG-3'
Protein context (NP_001348.2, residues 131-151): GYGVPGPTWD[Arg141Gln]GANLKDYYSR

ClinVar aggregate classification (germline): Uncertain significance. Review status: criteria provided, single submitter (1 of 4 stars). 2 submissions from 2 submitters: Uncertain significance (1). 1 of the submissions does not count toward it. Last evaluated 2026-05-28.

Conditions:
Intellectual developmental disorder, autosomal dominant 75. Identifiers: MedGen C5975482, MONDO:0975838, OMIM 620988.

Submissions (2):

GeneDx
Classification: Uncertain significance. Last evaluated: 2026-05-28. Review status: criteria provided, single submitter. Criteria: GeneDx Variant Classification Process June 2021. Collection method: clinical testing. Allele origin: germline.
Comment: Published functional studies suggest this variant results in increased R-loops and double-stranded DNA breaks, however additional studies are needed to validate the functional effect of this variant in vivo (PMID: 37467750); In silico analysis suggests that this missense variant does not alter protein structure/function; This variant is associated with the following publications: (PMID: 37467750)

OMIM
Classification: Pathogenic for INTELLECTUAL DEVELOPMENTAL DISORDER, AUTOSOMAL DOMINANT 75. Last evaluated: 2024-10-28. Review status: no assertion criteria provided. Collection method: literature only. Allele origin: germline. Not counted in ClinVar's aggregate classification.

Literature cited by the submitters: PubMed 37467750 (cited by OMIM).